The following is an entry in ClinVar:

ClinVar aggregate classification (germline): Pathogenic. Review status: criteria provided, single submitter (1 of 4 stars). 2 submissions from 2 submitters: Pathogenic (1). 1 of the submissions does not count toward it. Last evaluated 2022-09-22.

Conditions:
Primary hyperoxaluria, type I (HP1). Also called: GLYCOLIC ACIDURIA; HEPATIC AGT DEFICIENCY; OXALOSIS I; Primary hyperoxaluria type 1. Identifiers: Orphanet 416, Orphanet 93598, MedGen C0268164, MONDO:0009823, OMIM 259900. Disease mechanism: loss of function.

Allele frequency attached by ClinVar (database versions not stated): gnomAD exomes below 0.00001 and 0.00001; ExAC 0.00002.
gnomAD v4.1: 2 of 1,579,748 alleles (0.00013%); highest among the groups gnomAD compares: Non-Finnish European, 0.00017%; no homozygotes.

Submissions (2):

Labcorp Genetics (formerly Invitae), Labcorp
Classification: Pathogenic. Last evaluated: 2022-09-22. Review status: criteria provided, single submitter. Criteria: Invitae Variant Classification Sherloc (09022015). Collection method: clinical testing. Allele origin: germline.
Comment: This sequence change affects a donor splice site in intron 2 of the AGXT gene. It is expected to disrupt RNA splicing. Variants that disrupt the donor or acceptor splice site typically lead to a loss of protein function (PMID: 16199547), and loss-of-function variants in AGXT are known to be pathogenic (PMID: 19479957). This variant is present in population databases (rs113681235, gnomAD 0.001%). Disruption of this splice site has been observed in individual(s) with primary hyperoxaluria type 1 (PMID: 15961946). ClinVar contains an entry for this variant (Variation ID: 204152). Algorithms developed to predict the effect of sequence changes on RNA splicing suggest that this variant may disrupt the consensus splice site. For these reasons, this variant has been classified as Pathogenic.

Clinical Biochemistry Laboratory, Health Services Laboratory
Classification: Pathogenic for Primary hyperoxaluria, type I. Last evaluated: 2014-11-27. Review status: no assertion criteria provided. Collection method: research. Allele origin: germline. Affected: yes. Not counted in ClinVar's aggregate classification.

Literature cited by the submitters: PubMed 16199547 (cited by Labcorp Genetics (formerly Invitae), Labcorp); PubMed 19479957 (cited by Labcorp Genetics (formerly Invitae), Labcorp and Clinical Biochemistry Laboratory, Health Services Laboratory); PubMed 15961946 (cited by Labcorp Genetics (formerly Invitae), Labcorp).

NM_000030.3(AGXT):c.358+2T>G

Gene: AGXT (alanine--glyoxylate aminotransferase; plus strand). Cytogenetic location: 2q37.3.
Variant type: single nucleotide variant.
Coding change: c.358+2T>G on transcript NM_000030.3 (MANE Select); the canonical splice donor site of the intron after coding-DNA position 358, T replaced by G.
Molecular consequence: splice donor variant.
Genome position (GRCh38, 1-based): chr2:240,869,364, T>G. VCF-style: chr2-240869364-T-G. GRCh37 (hg19) VCF-style: chr2-241808781-T-G.
Identifiers: ClinVar variation 204152 (VCV000204152.11), dbSNP rs113681235, ClinGen allele CA275792.